The following is an entry in ClinVar:

NM_017875.4(SLC25A38):c.523C>T (p.Arg175Trp)

Gene: SLC25A38 (solute carrier family 25 member 38; plus strand). Cytogenetic location: 3p22.1.
Variant type: single nucleotide variant.
Coding change: c.523C>T on transcript NM_017875.4 (MANE Select); coding-DNA position 523, C replaced by T.
Protein change: p.Arg175Trp; replaces arginine 175 with tryptophan.
Molecular consequence: missense variant.
Genome position (GRCh38, 1-based): chr3:39,391,919, C>T. VCF-style: chr3-39391919-C-T. GRCh37 (hg19) VCF-style: chr3-39433410-C-T.
Other names: c.523C>T, p.Arg175Trp (NM_001354798.2); short protein forms R175W.
Identifiers: ClinVar variation 3372998 (VCV003372998.1).

ClinVar aggregate classification (germline): Uncertain significance (1 of 4 stars; one submission).

gnomAD v4.1: 49 of 1,614,022 alleles (0.003%); highest among the groups gnomAD compares: Non-Finnish European, 0.0036%; no homozygotes.

Submission:

GeneDx
Classification: Uncertain significance. Last evaluated: 2024-04-24. Review status: criteria provided, single submitter. Criteria: GeneDx Variant Classification Process June 2021. Collection method: clinical testing. Allele origin: germline. Affected: yes.
Comment: Not observed at significant frequency in large population cohorts (gnomAD); In silico analysis supports that this missense variant has a deleterious effect on protein structure/function; Has not been previously published as pathogenic or benign to our knowledge